The following is an entry in ClinVar:

ClinVar aggregate classification (germline): Uncertain significance (1 of 4 stars; one submission).

gnomAD v4.1: 1 of 1,609,480 alleles (0.000062%); highest among the groups gnomAD compares: Non-Finnish European, 0.000085%; no homozygotes.

Submission:

GeneDx
Classification: Uncertain significance. Last evaluated: 2025-05-23. Review status: criteria provided, single submitter. Criteria: GeneDx Variant Classification Process June 2021. Collection method: clinical testing. Allele origin: germline. Affected: yes.
Comment: Not observed at significant frequency in large population cohorts (gnomAD); In silico analysis supports that this missense variant has a deleterious effect on protein structure/function; Has not been previously published as pathogenic or benign to our knowledge

NM_001393769.1(MED12L):c.4459G>C (p.Asp1487His)

Genes: MED12L (mediator complex subunit 12L; plus strand), P2RY12 (purinergic receptor P2Y12; minus strand). Cytogenetic location: 3q25.1.
Variant type: single nucleotide variant.
Coding change: c.4459G>C on transcript NM_001393769.1 (MANE Select); coding-DNA position 4459, G replaced by C.
Protein change: p.Asp1487His; replaces aspartic acid 1487 with histidine.
Molecular consequence: missense variant. On other transcripts: intron variant (1).
Genome position (GRCh38, 1-based): chr3:151,378,154, G>C. VCF-style: chr3-151378154-G-C. GRCh37 (hg19) VCF-style: chr3-151095942-G-C.
Other names: c.4354G>C, p.Asp1452His (NM_053002.6); c.-180+6538C>G (NM_022788.5); short protein forms D1452H, D1487H.
Identifiers: ClinVar variation 4531012 (VCV004531012.1).